The following is an entry in ClinVar:

NM_000124.4(ERCC6):c.775A>T (p.Lys259Ter)

Gene: ERCC6 (ERCC excision repair 6, chromatin remodeling factor; minus strand). Cytogenetic location: 10q11.23.
Variant type: single nucleotide variant.
Coding change: c.775A>T on transcript NM_000124.4 (MANE Select); coding-DNA position 775, A replaced by T.
Protein change: p.Lys259Ter; replaces lysine 259 with a stop codon.
Molecular consequence: nonsense.
Genome position (GRCh38, 1-based): chr10:49,524,655, T>A on the plus strand (A>T on the coding strand, the complement: ERCC6 is on the minus strand). VCF-style: chr10-49524655-T-A. GRCh37 (hg19) VCF-style: chr10-50732701-T-A.
Other names: c.775A>T, p.Lys259Ter (NM_001277058.2, NM_001277059.2, NM_001346440.2); short protein forms K259*.
Identifiers: ClinVar variation 1725176 (VCV001725176.2), dbSNP rs2496141694, ClinGen allele CA376754901.

ClinVar aggregate classification (germline): Likely pathogenic (1 of 4 stars; one submission).

Conditions:
Cockayne syndrome type 2 (CSB). Also called: COCKAYNE SYNDROME B; Cockayne Syndrome, Type II. Identifiers: Orphanet 191, Orphanet 90322, MedGen C0751038, MONDO:0019570, OMIM 133540.

Submission:

Myriad Genetics, Inc.
Classification: Likely pathogenic for Cockayne syndrome type 2. Last evaluated: 2022-03-14. Review status: criteria provided, single submitter. Criteria: Myriad Women's Health Autosomal Recessive and X-Linked Classification Criteria (2021). Collection method: clinical testing. Allele origin: unknown.
Comment: NM_000124.2(ERCC6):c.775A>T(K259*) is expected to be pathogenic in the context of ERCC6-related disorders. This variant is predicted to lead to an abnormal or absent protein product due to the creation of a premature termination codon in ERCC6, a gene where loss-of-function variants are known to be pathogenic. Please note: this variant was assessed in the context of healthy population screening.